The following is an entry in ClinVar:

ClinVar aggregate classification (germline): Likely pathogenic (1 of 4 stars; one submission).

Conditions:
Anophthalmia-microphthalmia syndrome. Also called: Anophthalmia - microphthalmia; Anophthalmia/Microphthalmia. Identifiers: Orphanet 98555, MedGen C5680330, MONDO:0020147.

Submission:

Genetics Department, University Hospital of Toulouse
Classification: Likely pathogenic for Anophthalmia-microphthalmia syndrome. Last evaluated: 2025-10-05. Review status: criteria provided, single submitter. Criteria: ACMG Guidelines, 2015. Collection method: clinical testing. Allele origin: maternal. Affected: yes.
Comment: The NM_003072.5:c.1761+2T>G p.? Is predict to disrupt canonical splicing of SMARCA4. RT-PCR performed on both the proband and her mother confirmed the impact on SMARCA4 splicing (partial exon skipping). Individual described in PMID:41568967. The variant was classified as LP (PVS1, PM2).

Literature cited by the submitters: PubMed 41568967.

NM_003072.5(SMARCA4):c.1761+2T>G

Gene: SMARCA4 (SWI/SNF related BAF chromatin remodeling complex subunit ATPase 4; plus strand). Cytogenetic location: 19p13.2.
Variant type: single nucleotide variant.
Coding change: c.1761+2T>G on transcript NM_003072.5 (MANE Select); the canonical splice donor site of the intron after coding-DNA position 1761, T replaced by G.
Molecular consequence: splice donor variant.
Genome position (GRCh38, 1-based): chr19:10,996,382, T>G. VCF-style: chr19-10996382-T-G. GRCh37 (hg19) VCF-style: chr19-11107058-T-G.
Other names: c.1761+2T>G (NM_001128844.3, NM_001128849.3, NM_001128847.4 and 6 more transcripts).
Identifiers: ClinVar variation 4796485 (VCV004796485.1).
Genomic context (GRCh38, chr19:10,996,382, plus strand): 5'-TGCGGCAGCACAAGGCTGCCCAGGTCGCCAAGGAGAAAAAGAAGAAAAAGAAAAAGAAGG[T>G]GTGCTGGGCCTGGCATGGTGCCCGCCGCGGGTGGGATGGGAGCAGCCGTCTTCACGTGTG-3'